The following is an entry in ClinVar:

NM_020795.4(NLGN2):c.2193C>T (p.Ala731=)

Gene: NLGN2 (neuroligin 2; plus strand). Cytogenetic location: 17p13.1.
Variant type: single nucleotide variant.
Coding change: c.2193C>T on transcript NM_020795.4 (MANE Select); coding-DNA position 2193, C replaced by T.
Protein change: p.Ala731=; no amino-acid change (alanine 731 retained).
Molecular consequence: synonymous variant.
Genome position (GRCh38, 1-based): chr17:7,417,484, C>T. VCF-style: chr17-7417484-C-T. GRCh37 (hg19) VCF-style: chr17-7320803-C-T.
Identifiers: ClinVar variation 3043717 (VCV003043717.2), dbSNP rs775547220, ClinGen allele CA8346245.

ClinVar aggregate classification (germline): Likely benign (0 of 4 stars; one submission).

Conditions:
NLGN2-related disorder. Also called: NLGN2-related condition.

Allele frequency attached by ClinVar (database versions not stated): gnomAD 0.00003; TOPMed 0.00003; gnomAD exomes 0.00005.

Submission:

PreventionGenetics, part of Exact Sciences
Classification: Likely benign for NLGN2-related condition. Last evaluated: 2019-06-12. Review status: no assertion criteria provided. Collection method: clinical testing. Allele origin: germline.
Comment: This variant is classified as likely benign based on ACMG/AMP sequence variant interpretation guidelines (Richards et al. 2015 PMID: 25741868, with internal and published modifications).